The following is an entry in ClinVar:

NM_016441.3(CRIM1):c.1235A>C (p.His412Pro)

Gene: CRIM1 (cysteine rich transmembrane BMP regulator 1). Cytogenetic location: 2p22.2.
Variant type: single nucleotide variant.
Coding change: c.1235A>C on transcript NM_016441.3 (MANE Select); coding-DNA position 1235, A replaced by C.
Protein change: p.His412Pro; replaces histidine 412 with proline.
Molecular consequence: missense variant.
Genome position (GRCh38, 1-based): chr2:36,479,557, A>C. VCF-style: chr2-36479557-A-C. GRCh37 (hg19) VCF-style: chr2-36706700-A-C.
Other names: short protein forms H412P.
Identifiers: ClinVar variation 3035170 (VCV003035170.2), dbSNP rs113372122, ClinGen allele CA1610134.
Genomic context (GRCh38, chr2:36,479,557, plus strand): 5'-ATCCAGTGTATCCTTTTAATAATCCCGCTGGCTGCTATGCCAATGGCCTGATCCTTGCCC[A>C]CGGAGACCGGTGGCGGGAAGACGACTGCACATTCTGCCAGTGCGTCAACGGTGAACGCCA-3'
Protein context (NP_057525.1, residues 402-422): GCYANGLILA[His412Pro]GDRWREDDCT

ClinVar aggregate classification (germline): Likely benign (0 of 4 stars; one submission).

Conditions:
CRIM1-related disorder. Also called: CRIM1-related condition.

Allele frequency attached by ClinVar (database versions not stated): gnomAD 0.00171; TOPMed 0.00173; ExAC 0.00195; ESP Exome Variant Server 0.00215; gnomAD exomes 0.00310.
gnomAD v4.1: 4,726 of 1,614,212 alleles (0.29%); highest among the groups gnomAD compares: Non-Finnish European, 0.37%; 6 homozygotes.

Submission:

PreventionGenetics, part of Exact Sciences
Classification: Likely benign for CRIM1-related condition. Last evaluated: 2022-05-23. Review status: no assertion criteria provided. Collection method: clinical testing. Allele origin: germline.
Comment: This variant is classified as likely benign based on ACMG/AMP sequence variant interpretation guidelines (Richards et al. 2015 PMID: 25741868, with internal and published modifications).